The following is an entry in ClinVar:

ClinVar aggregate classification (germline): Likely pathogenic. Review status: criteria provided, multiple submitters, no conflicts (2 of 4 stars). 4 submissions from 4 submitters: Likely pathogenic (4). Last evaluated 2026-01-22.

Conditions:
CYB5R3-related disorder. Also called: CYB5R3-related condition.

Allele frequency attached by ClinVar (database versions not stated): TOPMed 0.00001.
gnomAD v4.1: 10 of 1,613,944 alleles (0.00062%); highest among the groups gnomAD compares: Non-Finnish European, 0.00085%; no homozygotes.

Submissions (4):

Labcorp Genetics (formerly Invitae), Labcorp
Classification: Likely pathogenic. Last evaluated: 2026-01-22. Review status: criteria provided, single submitter. Criteria: Invitae Variant Classification Sherloc (09022015). Collection method: clinical testing. Allele origin: germline.
Comment: This sequence change replaces alanine, which is neutral and non-polar, with proline, which is neutral and non-polar, at codon 179 of the CYB5R3 protein (p.Ala179Pro). This variant is present in population databases (no rsID available, gnomAD 0.0009%). This variant has not been reported in the literature in individuals affected with CYB5R3-related conditions. ClinVar contains an entry for this variant (Variation ID: 429233). Invitae Evidence Modeling of protein sequence and biophysical properties (such as structural, functional, and spatial information, amino acid conservation, physicochemical variation, residue mobility, and thermodynamic stability) indicates that this missense variant is expected to disrupt CYB5R3 protein function with a positive predictive value of 95%. This variant disrupts the p.Ala179 amino acid residue in CYB5R3. Other variant(s) that disrupt this residue have been determined to be pathogenic (PMID: 11159544, 11295830, 21349748, 24266649). This suggests that this residue is clinically significant, and that variants that disrupt this residue are likely to be disease-causing. In summary, the currently available evidence indicates that the variant is pathogenic, but additional data are needed to prove that conclusively. Therefore, this variant has been classified as Likely Pathogenic.

PreventionGenetics, part of Exact Sciences
Classification: Likely pathogenic for CYB5R3-related condition. Last evaluated: 2025-12-27. Review status: criteria provided, single submitter. Criteria: ACMG Guidelines, 2015. Collection method: clinical testing. Allele origin: germline.
Comment: The CYB5R3 c.535G>C variant is predicted to result in the amino acid substitution p.Ala179Pro. To our knowledge, this variant has not been reported in the literature. At PreventionGenetics, this variant has been observed in the homozygous state in multiple unrelated individuals affected with methemoglobinemia. This variant is reported in 0.00088% of alleles in individuals of European (non-Finnish) descent in gnomAD. Alternative missense variants at the same amino acid position (p.Ala179Thr, p.Ala179Val) have been reported in association with methemoglobinemia type 1 (Dekker et al. 2001. PubMed ID: 11159544; Higasa et al. 1998. PubMed ID: 9886302). Based on the available evidence, we classify this variant as likely pathogenic.

GeneDx
Classification: Likely pathogenic. Last evaluated: 2023-11-18. Review status: criteria provided, single submitter. Criteria: GeneDx Variant Classification Process June 2021. Collection method: clinical testing. Allele origin: germline. Affected: yes.
Comment: Not observed at a significant frequency in large population cohorts (gnomAD); In silico analysis supports that this missense variant has a deleterious effect on protein structure/function; Has not been previously published as pathogenic or benign to our knowledge

Mayo Clinic Laboratories, Mayo Clinic
Classification: Likely pathogenic. Last evaluated: 2023-11-14. Review status: criteria provided, single submitter. Criteria: ACMG Guidelines, 2015. Collection method: clinical testing. Allele origin: germline. Observed: 1 variant allele.
Comment: PM1, PM2_moderate, PM5

Literature cited by the submitters: PubMed 11159544 (cited by Labcorp Genetics (formerly Invitae), Labcorp); PubMed 11295830 (cited by Labcorp Genetics (formerly Invitae), Labcorp); PubMed 21349748 (cited by Labcorp Genetics (formerly Invitae), Labcorp); PubMed 24266649 (cited by Labcorp Genetics (formerly Invitae), Labcorp); PubMed 18318771 (cited by Mayo Clinic Laboratories, Mayo Clinic); PubMed 32355288 (cited by Mayo Clinic Laboratories, Mayo Clinic); PubMed 32958805 (cited by Mayo Clinic Laboratories, Mayo Clinic).

NM_000398.7(CYB5R3):c.535G>C (p.Ala179Pro)

Gene: CYB5R3 (cytochrome b5 reductase 3; minus strand). Cytogenetic location: 22q13.2.
Variant type: single nucleotide variant.
Coding change: c.535G>C on transcript NM_000398.7 (MANE Select); coding-DNA position 535, G replaced by C.
Protein change: p.Ala179Pro; replaces alanine 179 with proline.
Molecular consequence: missense variant.
Genome position (GRCh38, 1-based): chr22:42,627,617, C>G on the plus strand (G>C on the coding strand, the complement: CYB5R3 is on the minus strand). VCF-style: chr22-42627617-C-G. GRCh37 (hg19) VCF-style: chr22-43023623-C-G.
Other names: p.Ala179Pro; c.466G>C, p.Ala156Pro (NM_001129819.2, NM_001171661.1, NM_007326.4); c.634G>C, p.Ala212Pro (NM_001171660.2); short protein forms A179P, A156P, A212P.
Identifiers: ClinVar variation 429233 (VCV000429233.8), dbSNP rs530251354, ClinGen allele CA411797933.